The following is an entry in ClinVar:

NM_001005273.3(CHD3):c.4589G>C (p.Arg1530Thr)

Gene: CHD3 (chromodomain helicase DNA binding protein 3; plus strand). Cytogenetic location: 17p13.1.
Variant type: single nucleotide variant.
Coding change: c.4589G>C on transcript NM_001005273.3 (MANE Select); coding-DNA position 4589, G replaced by C.
Protein change: p.Arg1530Thr; replaces arginine 1530 with threonine.
Molecular consequence: missense variant.
Genome position (GRCh38, 1-based): chr17:7,906,954, G>C. VCF-style: chr17-7906954-G-C. GRCh37 (hg19) VCF-style: chr17-7810272-G-C.
Other names: c.4766G>C, p.Arg1589Thr (NM_001005271.3); c.4589G>C, p.Arg1530Thr (NM_005852.4); short protein forms R1530T, R1589T.
Identifiers: ClinVar variation 1028913 (VCV001028913.1), dbSNP rs1971039767, ClinGen allele CA397946679.

ClinVar aggregate classification (germline): Uncertain significance (1 of 4 stars; one submission).

Conditions:
Snijders Blok-Campeau syndrome. Also called: INTELLECTUAL DEVELOPMENTAL DISORDER WITH MACROCEPHALY, SPEECH DELAY, AND DYSMORPHIC FACIES. Identifiers: Orphanet 599082, MedGen C4748701, MONDO:0032600, OMIM 618205.

Allele frequency attached by ClinVar (database versions not stated): gnomAD exomes below 0.00001.
gnomAD v4.1: 2 of 1,614,126 alleles (0.00012%); highest among the groups gnomAD compares: Middle Eastern, 0.016%; no homozygotes.

Submission:

Baylor Genetics
Classification: Uncertain significance for Snijders Blok-Campeau syndrome. Last evaluated: 2019-09-26. Review status: criteria provided, single submitter. Criteria: ACMG Guidelines, 2015. Collection method: clinical testing. Allele origin: unknown. Affected: yes.
Comment: This variant was determined to be of uncertain significance according to ACMG Guidelines, 2015 [PMID:25741868].